The following is an entry in ClinVar:

ClinVar aggregate classification (germline): Uncertain significance (1 of 4 stars; one submission).

Submission:

GeneDx
Classification: Uncertain significance. Last evaluated: 2026-03-29. Review status: criteria provided, single submitter. Criteria: GeneDx Variant Classification Process June 2021. Collection method: clinical testing. Allele origin: germline.
Comment: Not observed at significant frequency in large population cohorts (gnomAD); In silico analysis supports a deleterious effect on splicing; Has not been previously published as pathogenic or benign to our knowledge

NM_001429.4(EP300):c.4779+2dup

Gene: EP300 (EP300 lysine acetyltransferase; plus strand). Cytogenetic location: 22q13.2.
Variant type: Duplication.
Coding change: c.4779+2dup on transcript NM_001429.4 (MANE Select); the canonical splice donor site of the intron after coding-DNA position 4779, one base duplicated (T; older notation c.4779+2dupT).
Molecular consequence: splice donor variant.
Genome position (GRCh38, 1-based): chr22:41,173,786, T duplicated. VCF-style (leftmost placement, unchanged base first): chr22-41173785-G-GT. GRCh37 (hg19) VCF-style: chr22-41569789-G-GT.
Other names: c.4701+2dup (NM_001362843.2).
Identifiers: ClinVar variation 5017813 (VCV005017813.1).